The following is an entry in ClinVar:

ClinVar aggregate classification (germline): Uncertain significance (1 of 4 stars; one submission).

Allele frequency attached by ClinVar (database versions not stated): TOPMed below 0.00001; gnomAD 0.00001.
gnomAD v4.1: 1 of 1,613,860 alleles (0.000062%); highest among the groups gnomAD compares: Admixed American, 0.0017%; no homozygotes.

Submission:

Labcorp Genetics (formerly Invitae), Labcorp
Classification: Uncertain significance. Last evaluated: 2021-08-26. Review status: criteria provided, single submitter. Criteria: Invitae Variant Classification Sherloc (09022015). Collection method: clinical testing. Allele origin: germline.
Comment: This variant is not present in population databases (ExAC no frequency). This sequence change replaces alanine with valine at codon 30 of the SCN3A protein (p.Ala30Val). The alanine residue is highly conserved and there is a small physicochemical difference between alanine and valine. This variant has not been reported in the literature in individuals affected with SCN3A-related conditions. In summary, the available evidence is currently insufficient to determine the role of this variant in disease. Therefore, it has been classified as a Variant of Uncertain Significance. Algorithms developed to predict the effect of missense changes on protein structure and function are either unavailable or do not agree on the potential impact of this missense change (SIFT: "Deleterious"; PolyPhen-2: "Probably Damaging"; Align-GVGD: "Class C15").

NM_006922.4(SCN3A):c.89C>T (p.Ala30Val)

Gene: SCN3A (sodium voltage-gated channel alpha subunit 3; minus strand). Cytogenetic location: 2q24.3.
Variant type: single nucleotide variant.
Coding change: c.89C>T on transcript NM_006922.4 (MANE Select); coding-DNA position 89, C replaced by T.
Protein change: p.Ala30Val; replaces alanine 30 with valine.
Molecular consequence: missense variant.
Genome position (GRCh38, 1-based): chr2:165,176,306, G>A on the plus strand (C>T on the coding strand, the complement: SCN3A is on the minus strand). VCF-style: chr2-165176306-G-A. GRCh37 (hg19) VCF-style: chr2-166032816-G-A.
Other names: c.89C>T, p.Ala30Val (NM_001081676.2, NM_001081677.2); short protein forms A30V.
Identifiers: ClinVar variation 1377602 (VCV001377602.6), dbSNP rs1690455873, ClinGen allele CA349241100.